The following is an entry in ClinVar:

NM_031407.7(HUWE1):c.6293A>T (p.Gln2098Leu)

Gene: HUWE1 (HECT, UBA and WWE domain containing E3 ubiquitin protein ligase 1; minus strand). Cytogenetic location: Xp11.22.
Variant type: single nucleotide variant.
Coding change: c.6293A>T on transcript NM_031407.7 (MANE Select); coding-DNA position 6293, A replaced by T.
Protein change: p.Gln2098Leu; replaces glutamine 2098 with leucine.
Molecular consequence: missense variant.
Genome position (GRCh38, 1-based): chrX:53,573,769, T>A on the plus strand (A>T on the coding strand, the complement: HUWE1 is on the minus strand). VCF-style: chrX-53573769-T-A. GRCh37 (hg19) VCF-style: chrX-53600729-T-A.
Other names: short protein forms Q2098L.
Identifiers: ClinVar variation 589495 (VCV000589495.5), dbSNP rs782694197, ClinGen allele CA10422115.
Genomic context (GRCh38, chrX:53,573,769, plus strand): 5'-AAGTACAGTGTAACATCTTAAATAGAAGTTGGAAATATTACCTCTTTGATCAGTTCAGAC[T>A]GGCCCACAGTGTAGCTGTAGTTGGCAATCAGGGTAGCAATACCAACATAGGACCTCACCA-3'
Protein context (NP_113584.3, residues 2088-2108): LIANYSYTVG[Gln2098Leu]SELIKEDCSV

ClinVar aggregate classification (germline): Uncertain significance (1 of 4 stars; one submission).

Conditions:
Inborn genetic diseases. Identifiers: MedGen C0950123, MeSH D030342.

Allele frequency attached by ClinVar (database versions not stated): TOPMed 0.00001; ExAC 0.00002; gnomAD exomes 0.00002 and 0.00003; gnomAD 0.00003.
gnomAD v4.1: 36 of 1,206,156 alleles (0.003%); highest among the groups gnomAD compares: Non-Finnish European, 0.004%; no homozygotes.

Submission:

Ambry Genetics
Classification: Uncertain significance for Inborn genetic diseases. Last evaluated: 2024-01-17. Review status: criteria provided, single submitter. Criteria: Ambry Variant Classification Scheme 2023. Collection method: clinical testing. Allele origin: germline.
Comment: The p.Q2098L variant (also known as c.6293A>T), located in coding exon 44 of the HUWE1 gene, results from an A to T substitution at nucleotide position 6293. The glutamine at codon 2098 is replaced by leucine, an amino acid with dissimilar properties. This amino acid position is highly conserved in available vertebrate species. In addition, the in silico prediction for this alteration is inconclusive. Since supporting evidence is limited at this time, the clinical significance of this variant remains unclear.